The following is an entry in ClinVar:

NM_000368.5(TSC1):c.3062C>T (p.Pro1021Leu)

Gene: TSC1 (TSC complex subunit 1; minus strand). Cytogenetic location: 9q34.13.
Variant type: single nucleotide variant.
Coding change: c.3062C>T on transcript NM_000368.5 (MANE Select); coding-DNA position 3062, C replaced by T.
Protein change: p.Pro1021Leu; replaces proline 1021 with leucine.
Molecular consequence: missense variant.
Genome position (GRCh38, 1-based): chr9:132,896,668, G>A on the plus strand (C>T on the coding strand, the complement: TSC1 is on the minus strand). VCF-style: chr9-132896668-G-A. GRCh37 (hg19) VCF-style: chr9-135772055-G-A.
Other names: c.3059C>T, p.Pro1020Leu (NM_001162426.2); c.2909C>T, p.Pro970Leu (NM_001162427.2); c.2699C>T, p.Pro900Leu (NM_001362177.2); short protein forms P900L, P1020L, P970L, P1021L.
Identifiers: ClinVar variation 954161 (VCV000954161.12), dbSNP rs1845082733, ClinGen allele CA375367639.
Genomic context (GRCh38, chr9:132,896,668, plus strand): 5'-CTGCTGCTGCTGCCTCCACCACCTCTGCTTCCACTACTGCCCCGGGCGCTGCTGGGCCTG[G>A]GGGTCTTGGTCTCACCGTTGTGGCCAGATGCCTCTTCATTGTGCCCTACCATGGAATCTG-3'
Protein context (NP_000359.1, residues 1011-1031): ASGHNGETKT[Pro1021Leu]RPSSARGSSG

ClinVar aggregate classification (germline): Uncertain significance. Review status: criteria provided, multiple submitters, no conflicts (2 of 4 stars). 3 submissions from 3 submitters: Uncertain significance (3). Last evaluated 2025-08-07.

Conditions:
Isolated focal cortical dysplasia type II (FCORD2). Also called: Focal cortical dysplasia type II; CORTICAL DYSPLASIA OF TAYLOR. Identifiers: Orphanet 268994, MedGen C1846385, MONDO:0011818, OMIM 607341, HP:0032051.
Hereditary cancer-predisposing syndrome. Also called: Hereditary neoplastic syndrome; Tumor predisposition; Neoplastic Syndromes, Hereditary; Hereditary Cancer Syndrome. Identifiers: Orphanet 140162, MedGen C0027672, MeSH D009386, MONDO:0015356.
Tuberous sclerosis 1 (TSC1). Identifiers: Orphanet 805, MedGen C1854465, MONDO:0008612, OMIM 191100.

Allele frequency attached by ClinVar (database versions not stated): gnomAD 0.00001.
gnomAD v4.1: 2 of 1,613,944 alleles (0.00012%); highest among the groups gnomAD compares: Admixed American, 0.0017%; no homozygotes.

Submissions (3):

Ambry Genetics
Classification: Uncertain significance for Hereditary cancer-predisposing syndrome. Last evaluated: 2025-08-07. Review status: criteria provided, single submitter. Criteria: Ambry Variant Classification Scheme 2023. Collection method: clinical testing. Allele origin: germline.
Comment: The p.P1021L variant (also known as c.3062C>T), located in coding exon 21 of the TSC1 gene, results from a C to T substitution at nucleotide position 3062. The proline at codon 1021 is replaced by leucine, an amino acid with similar properties. This amino acid position is not well conserved in available vertebrate species. In addition, this alteration is predicted to be tolerated by in silico analysis. Since supporting evidence is limited at this time, the clinical significance of this alteration remains unclear.

Labcorp Genetics (formerly Invitae), Labcorp
Classification: Uncertain significance for Tuberous sclerosis 1. Last evaluated: 2025-03-30. Review status: criteria provided, single submitter. Criteria: Invitae Variant Classification Sherloc (09022015). Collection method: clinical testing. Allele origin: germline.
Comment: This sequence change replaces proline, which is neutral and non-polar, with leucine, which is neutral and non-polar, at codon 1021 of the TSC1 protein (p.Pro1021Leu). This variant is not present in population databases (gnomAD no frequency). This variant has not been reported in the literature in individuals affected with TSC1-related conditions. ClinVar contains an entry for this variant (Variation ID: 954161). Invitae Evidence Modeling of protein sequence and biophysical properties (such as structural, functional, and spatial information, amino acid conservation, physicochemical variation, residue mobility, and thermodynamic stability) indicates that this missense variant is not expected to disrupt TSC1 protein function with a negative predictive value of 95%. In summary, the available evidence is currently insufficient to determine the role of this variant in disease. Therefore, it has been classified as a Variant of Uncertain Significance.

Baylor Genetics
Classification: Uncertain significance for Isolated focal cortical dysplasia type II. Last evaluated: 2023-06-30. Review status: criteria provided, single submitter. Criteria: ACMG Guidelines, 2015. Collection method: clinical testing. Allele origin: unknown.